The following is an entry in ClinVar:

ClinVar aggregate classification (germline): Uncertain significance. Review status: criteria provided, multiple submitters, no conflicts (2 of 4 stars). 3 submissions from 3 submitters: Uncertain significance (2). 1 of the submissions does not count toward it. Last evaluated 2024-01-03.

Conditions:
Inborn genetic diseases. Identifiers: MedGen C0950123, MeSH D030342.
Intellectual developmental disorder, autosomal dominant 43. Also called: Intellectual disability, autosomal dominant 43. Identifiers: MedGen C4707429, MONDO:0014858, OMIM 616977.

Allele frequency attached by ClinVar (database versions not stated): gnomAD 0.00001; gnomAD exomes 0.00001; TOPMed 0.00001.

Submissions (3):

Ambry Genetics
Classification: Uncertain significance for Inborn genetic diseases. Last evaluated: 2024-01-03. Review status: criteria provided, single submitter. Criteria: Ambry Variant Classification Scheme 2023. Collection method: clinical testing. Allele origin: germline.

Labcorp Genetics (formerly Invitae), Labcorp
Classification: Uncertain significance. Last evaluated: 2022-02-21. Review status: criteria provided, single submitter. Criteria: Invitae Variant Classification Sherloc (09022015). Collection method: clinical testing. Allele origin: germline.
Comment: This variant has not been reported in the literature in individuals affected with HIVEP2-related conditions. In summary, the available evidence is currently insufficient to determine the role of this variant in disease. Therefore, it has been classified as a Variant of Uncertain Significance. Algorithms developed to predict the effect of missense changes on protein structure and function are either unavailable or do not agree on the potential impact of this missense change (SIFT: "Deleterious"; PolyPhen-2: "Benign"; Align-GVGD: "Class C0"). This variant is not present in population databases (gnomAD no frequency). This sequence change replaces arginine, which is basic and polar, with glycine, which is neutral and non-polar, at codon 452 of the HIVEP2 protein (p.Arg452Gly).

Dr.Nikuei Genetic Center
Classification: Likely benign for Intellectual developmental disorder, autosomal dominant 43. Review status: no assertion criteria provided. Collection method: clinical testing. Allele origin: germline. Inheritance: Autosomal dominant inheritance. Affected: no. Not counted in ClinVar's aggregate classification.

NM_006734.4(HIVEP2):c.1354A>G (p.Arg452Gly)

Gene: HIVEP2 (HIVEP zinc finger 2; minus strand). Cytogenetic location: 6q24.2.
Variant type: single nucleotide variant.
Coding change: c.1354A>G on transcript NM_006734.4 (MANE Select); coding-DNA position 1354, A replaced by G.
Protein change: p.Arg452Gly; replaces arginine 452 with glycine.
Molecular consequence: missense variant.
Genome position (GRCh38, 1-based): chr6:142,773,385, T>C on the plus strand (A>G on the coding strand, the complement: HIVEP2 is on the minus strand). VCF-style: chr6-142773385-T-C. GRCh37 (hg19) VCF-style: chr6-143094522-T-C.
Other names: c.1354A>G (NM_006734.3); short protein forms R452G.
Identifiers: ClinVar variation 2191219 (VCV002191219.5), dbSNP rs1161002747, ClinGen allele CA365914024.